The following is an entry in ClinVar:

NM_000368.5(TSC1):c.2555T>C (p.Leu852Pro)

Gene: TSC1 (TSC complex subunit 1; minus strand). Cytogenetic location: 9q34.13.
Variant type: single nucleotide variant.
Coding change: c.2555T>C on transcript NM_000368.5 (MANE Select); coding-DNA position 2555, T replaced by C.
Protein change: p.Leu852Pro; replaces leucine 852 with proline.
Molecular consequence: missense variant.
Genome position (GRCh38, 1-based): chr9:132,900,785, A>G on the plus strand (T>C on the coding strand, the complement: TSC1 is on the minus strand). VCF-style: chr9-132900785-A-G. GRCh37 (hg19) VCF-style: chr9-135776172-A-G.
Other names: c.2552T>C, p.Leu851Pro (NM_001162426.2, NM_001406597.1, NM_001406598.1 and 2 more transcripts); c.2402T>C, p.Leu801Pro (NM_001162427.2, NM_001406610.1); c.2192T>C, p.Leu731Pro (NM_001362177.2, NM_001406615.1, NM_001406616.1 and 4 more transcripts); c.2555T>C, p.Leu852Pro (NM_001406592.1, NM_001406593.1, NM_001406594.1 and 2 more transcripts); c.2540T>C, p.Leu847Pro (NM_001406601.1, NM_001406602.1); c.2537T>C, p.Leu846Pro (NM_001406603.1, NM_001406604.1); c.2189T>C, p.Leu730Pro (NM_001406620.1, NM_001406621.1, NM_001406622.1 and 1 more transcripts); c.2150T>C, p.Leu717Pro (NM_001406624.1); and 8 more; short protein forms L535P, L800P, L837P, L851P, L730P, L786P, L801P, L501P.
Identifiers: ClinVar variation 2103178 (VCV002103178.6), dbSNP rs2538550696, ClinGen allele CA375370126.

ClinVar aggregate classification (germline): Uncertain significance. Review status: criteria provided, multiple submitters, no conflicts (2 of 4 stars). 3 submissions from 3 submitters: Uncertain significance (3). Last evaluated 2024-11-10.

Conditions:
Tuberous sclerosis syndrome (TSC). Also called: Tuberous sclerosis; Tuberous Sclerosis Complex. Identifiers: Orphanet 805, MedGen C0041341, MONDO:0001734.
Tuberous sclerosis 1 (TSC1). Identifiers: Orphanet 805, MedGen C1854465, MONDO:0008612, OMIM 191100.
Hereditary cancer-predisposing syndrome. Also called: Hereditary Cancer Syndrome; Tumor predisposition; Neoplastic Syndromes, Hereditary; Hereditary neoplastic syndrome. Identifiers: Orphanet 140162, MedGen C0027672, MeSH D009386, MONDO:0015356.

Submissions (3):

Ambry Genetics
Classification: Uncertain significance for Hereditary cancer-predisposing syndrome. Last evaluated: 2024-11-10. Review status: criteria provided, single submitter. Criteria: Ambry Variant Classification Scheme 2023. Collection method: clinical testing. Allele origin: germline.
Comment: The p.L852P variant (also known as c.2555T>C), located in coding exon 18 of the TSC1 gene, results from a T to C substitution at nucleotide position 2555. The leucine at codon 852 is replaced by proline, an amino acid with similar properties. This amino acid position is conserved. In addition, this alteration is predicted to be deleterious by in silico analysis. Based on the available evidence, the clinical significance of this variant remains unclear.

All of Us Research Program, National Institutes of Health
Classification: Uncertain significance for Tuberous sclerosis syndrome. Last evaluated: 2023-04-03. Review status: criteria provided, single submitter. Criteria: ACMG Guidelines, 2015. Collection method: clinical testing. Allele origin: germline. Inheritance: Autosomal dominant inheritance. Observed: 1 variant allele, 1 heterozygote.
Comment: This missense variant replaces leucine with proline at codon 852 of the TSC1 protein. Computational prediction suggests that this variant may have deleterious impact on protein structure and function (internally defined REVEL score threshold >= 0.7, PMID: 27666373). To our knowledge, functional studies have not been reported for this variant. This variant has not been reported in individuals affected with TSC1-related disorders in the literature. This variant has not been identified in the general population by the Genome Aggregation Database (gnomAD). The available evidence is insufficient to determine the role of this variant in disease conclusively. Therefore, this variant is classified as a Variant of Uncertain Significance.

This study involves interpretation of variants in research participants for the purpose of population health screening. Participant phenotype was not available at the time of variant classification. Additional details can be found in publication PMID: 35346344, PMCID: PMC8962531

Labcorp Genetics (formerly Invitae), Labcorp
Classification: Uncertain significance for Tuberous sclerosis 1. Last evaluated: 2022-02-25. Review status: criteria provided, single submitter. Criteria: Invitae Variant Classification Sherloc (09022015). Collection method: clinical testing. Allele origin: germline.
Comment: This variant is not present in population databases (gnomAD no frequency). This sequence change replaces leucine, which is neutral and non-polar, with proline, which is neutral and non-polar, at codon 852 of the TSC1 protein (p.Leu852Pro). This variant has not been reported in the literature in individuals affected with TSC1-related conditions. In summary, the available evidence is currently insufficient to determine the role of this variant in disease. Therefore, it has been classified as a Variant of Uncertain Significance. Algorithms developed to predict the effect of missense changes on protein structure and function are either unavailable or do not agree on the potential impact of this missense change (SIFT: "Deleterious"; PolyPhen-2: "Probably Damaging"; Align-GVGD: "Class C0").